The following is an entry in ClinVar:

ClinVar aggregate classification (germline): Uncertain significance (1 of 4 stars; one submission).

Conditions:
Primary ciliary dyskinesia. Also called: Ciliary dyskinesia. Identifiers: Orphanet 244, MedGen C0008780, MONDO:0016575, HP:0012265.

gnomAD v4.1: 1 of 1,613,656 alleles (0.000062%); highest among the groups gnomAD compares: Non-Finnish European, 0.000085%; no homozygotes.

Submission:

Labcorp Genetics (formerly Invitae), Labcorp
Classification: Uncertain significance for Primary ciliary dyskinesia. Last evaluated: 2025-11-04. Review status: criteria provided, single submitter. Criteria: Invitae Variant Classification Sherloc (09022015). Collection method: clinical testing. Allele origin: germline.
Comment: This sequence change replaces methionine, which is neutral and non-polar, with threonine, which is neutral and polar, at codon 3887 of the DNAH11 protein (p.Met3887Thr). This variant is not present in population databases (gnomAD no frequency). This variant has not been reported in the literature in individuals affected with DNAH11-related conditions. Invitae Evidence Modeling of protein sequence and biophysical properties (such as structural, functional, and spatial information, amino acid conservation, physicochemical variation, residue mobility, and thermodynamic stability) indicates that this missense variant is not expected to disrupt DNAH11 protein function with a negative predictive value of 95%. In summary, the available evidence is currently insufficient to determine the role of this variant in disease. Therefore, it has been classified as a Variant of Uncertain Significance.

NM_001277115.2(DNAH11):c.11660T>C (p.Met3887Thr)

Gene: DNAH11 (dynein axonemal heavy chain 11; plus strand). Cytogenetic location: 7p15.3.
Variant type: single nucleotide variant.
Coding change: c.11660T>C on transcript NM_001277115.2 (MANE Select); coding-DNA position 11660, T replaced by C.
Protein change: p.Met3887Thr; replaces methionine 3887 with threonine.
Molecular consequence: missense variant.
Genome position (GRCh38, 1-based): chr7:21,866,633, T>C. VCF-style: chr7-21866633-T-C. GRCh37 (hg19) VCF-style: chr7-21906251-T-C.
Other names: short protein forms M3887T.
Identifiers: ClinVar variation 4745698 (VCV004745698.1).
Genomic context (GRCh38, chr7:21,866,633, plus strand): 5'-AATTACCTCAAGAATGGAAGAAGAAAAGTTTAATACAGAAGCTGATTCTTCTGAGAGCAA[T>C]GCGCCCTGACAGAATGACGTATGCTCTCAGGTGGGGTGGTCAGCATTTTTGGAAACATGT-3'
Protein context (NP_001264044.1, residues 3877-3897): LIQKLILLRA[Met3887Thr]RPDRMTYALR